The following is an entry in ClinVar:

ClinVar aggregate classification (germline): Uncertain significance (1 of 4 stars; one submission).

Conditions:
Dilated cardiomyopathy 1O (CMD1O). Also called: CARDIOMYOPATHY, DILATED, WITH VENTRICULAR TACHYCARDIA. Identifiers: Orphanet 154, MedGen C1837839, MONDO:0012062, OMIM 608569.

Submission:

Labcorp Genetics (formerly Invitae), Labcorp
Classification: Uncertain significance for Dilated cardiomyopathy 1O. Last evaluated: 2021-05-30. Review status: criteria provided, single submitter. Criteria: Invitae Variant Classification Sherloc (09022015). Collection method: clinical testing. Allele origin: germline.
Comment: In summary, the available evidence is currently insufficient to determine the role of this variant in disease. Therefore, it has been classified as a Variant of Uncertain Significance. Nucleotide substitutions within the consensus splice site are a relatively common cause of aberrant splicing (PMID: 17576681, 9536098). Algorithms developed to predict the effect of sequence changes on RNA splicing suggest that this variant may disrupt the consensus splice site, but this prediction has not been confirmed by published transcriptional studies. This variant has not been reported in the literature in individuals with ABCC9-related conditions. This variant is not present in population databases (ExAC no frequency). This sequence change falls in intron 1 of the ABCC9 gene. It does not directly change the encoded amino acid sequence of the ABCC9 protein. It affects a nucleotide within the consensus splice site of the intron.

Literature cited by the submitters: PubMed 17576681; PubMed 9536098.

NM_020297.4(ABCC9):c.142+4A>G

Gene: ABCC9 (ATP binding cassette subfamily C member 9; minus strand). Cytogenetic location: 12p12.1.
Variant type: single nucleotide variant.
Coding change: c.142+4A>G on transcript NM_020297.4 (MANE Select); 4 bases into the intron after coding-DNA position 142, A replaced by G.
Molecular consequence: intron variant.
Genome position (GRCh38, 1-based): chr12:21,936,529, T>C on the plus strand (A>G on the coding strand, the complement: ABCC9 is on the minus strand). VCF-style: chr12-21936529-T-C. GRCh37 (hg19) VCF-style: chr12-22089463-T-C.
Other names: c.-313+4A>G (NM_001377274.1); c.142+4A>G (NM_005691.4, NM_001377273.1).
Identifiers: ClinVar variation 1357325 (VCV001357325.6), dbSNP rs2138077568, ClinGen allele CA2573148493.